The following is an entry in ClinVar:

NM_018161.5(NADSYN1):c.1839C>G (p.Tyr613Ter)

Gene: NADSYN1 (NAD synthetase 1; plus strand). Cytogenetic location: 11q13.4.
Variant type: single nucleotide variant.
Coding change: c.1839C>G on transcript NM_018161.5 (MANE Select); coding-DNA position 1839, C replaced by G.
Protein change: p.Tyr613Ter; replaces tyrosine 613 with a stop codon.
Molecular consequence: nonsense.
Genome position (GRCh38, 1-based): chr11:71,497,557, C>G. VCF-style: chr11-71497557-C-G. GRCh37 (hg19) VCF-style: chr11-71208603-C-G.
Other names: short protein forms Y613*.
Identifiers: ClinVar variation 834715 (VCV000834715.3), dbSNP rs1008561025, ClinGen allele CA224332167.

ClinVar aggregate classification (germline): Pathogenic. Review status: no assertion criteria provided (0 of 4 stars). 2 submissions from 2 submitters: Pathogenic (2). Last evaluated 2020-04-10.

Conditions:
Congenital NAD deficiency disorder. Identifiers: MedGen CN241975.
Vertebral, cardiac, renal, and limb defects syndrome 3. Also called: CONGENITAL NAD DEFICIENCY DISORDER 3. Identifiers: MedGen C5394250, MONDO:0030077, OMIM 618845.

Allele frequency attached by ClinVar (database versions not stated): TOPMed 0.00001.

Submissions (2):

OMIM
Classification: Pathogenic for VERTEBRAL, CARDIAC, RENAL, AND LIMB DEFECTS SYNDROME 3. Last evaluated: 2020-04-10. Review status: no assertion criteria provided. Collection method: literature only. Allele origin: germline.

Embryology Laboratory, Victor Chang Cardiac Research Institute
Classification: Pathogenic for Congenital NAD Deficiency Disorder. Last evaluated: 2019-12-01. Review status: no assertion criteria provided. Collection method: research. Allele origin: inherited. Inheritance: Autosomal recessive inheritance. Affected: yes. Observed: 1 variant allele, 1 compound heterozygote.
Comment: This variant, c.1839C>G, was found in compound heterozygosity with the pathogenic variant c.735T>A

Literature cited by the submitters: PubMed 31883644 (cited by OMIM and Embryology Laboratory, Victor Chang Cardiac Research Institute).